The following is an entry in ClinVar:

NM_001375905.1(SGMS2):c.403G>A (p.Gly135Arg)

Genes: CYP2U1-AS1 (CYP2U1 and SGMS2 antisense RNA 1; minus strand), SGMS2 (sphingomyelin synthase 2; plus strand). Cytogenetic location: 4q25.
Variant type: single nucleotide variant.
Coding change: c.403G>A on transcript NM_001375905.1 (MANE Select); coding-DNA position 403, G replaced by A.
Protein change: p.Gly135Arg; replaces glycine 135 with arginine.
Molecular consequence: missense variant. On other transcripts: intron variant (1).
Genome position (GRCh38, 1-based): chr4:107,895,956, G>A. VCF-style: chr4-107895956-G-A. GRCh37 (hg19) VCF-style: chr4-108817112-G-A.
Other names: c.403G>A, p.Gly135Arg (NM_001136257.2, NM_001136258.2, NM_001375906.1 and 4 more transcripts); c.-64-3619G>A (NM_001375911.1); short protein forms G135R.
Identifiers: ClinVar variation 3675884 (VCV003675884.2).

ClinVar aggregate classification (germline): Uncertain significance (1 of 4 stars; one submission).

gnomAD v4.1: 2 of 1,613,912 alleles (0.00012%); highest among the groups gnomAD compares: Non-Finnish European, 0.00017%; no homozygotes.

Submission:

Labcorp Genetics (formerly Invitae), Labcorp
Classification: Uncertain significance. Last evaluated: 2024-03-01. Review status: criteria provided, single submitter. Criteria: Invitae Variant Classification Sherloc (09022015). Collection method: clinical testing. Allele origin: germline.
Comment: This sequence change replaces glycine, which is neutral and non-polar, with arginine, which is basic and polar, at codon 135 of the SGMS2 protein (p.Gly135Arg). This variant is not present in population databases (gnomAD no frequency). This variant has not been reported in the literature in individuals affected with SGMS2-related conditions. Advanced modeling of protein sequence and biophysical properties (such as structural, functional, and spatial information, amino acid conservation, physicochemical variation, residue mobility, and thermodynamic stability) performed at Invitae indicates that this missense variant is expected to disrupt SGMS2 protein function with a positive predictive value of 80%. In summary, the available evidence is currently insufficient to determine the role of this variant in disease. Therefore, it has been classified as a Variant of Uncertain Significance.